The following is an entry in ClinVar:

ClinVar aggregate classification (germline): Uncertain significance (1 of 4 stars; one submission).

Conditions:
Hypertrophic cardiomyopathy. Also called: HYPERTROPHIC MYOCARDIOPATHY. Identifiers: Orphanet 217569, MedGen C0007194, MeSH D002312, MONDO:0005045, HP:0001639.

gnomAD v4.1: 2 of 1,613,002 alleles (0.00012%); highest among the groups gnomAD compares: Non-Finnish European, 0.00017%; no homozygotes.

Submission:

All of Us Research Program, National Institutes of Health
Classification: Uncertain significance for Hypertrophic cardiomyopathy. Last evaluated: 2023-02-24. Review status: criteria provided, single submitter. Criteria: ACMG Guidelines, 2015. Collection method: clinical testing. Allele origin: germline. Inheritance: Autosomal dominant inheritance. Observed: 1 variant allele, 1 heterozygote.
Comment: This missense variant replaces aspartic acid with glutamic acid at codon 49 of the PRKAG2 protein. Computational prediction suggests that this variant may not impact protein structure and function (internally defined REVEL score threshold <= 0.5, PMID: 27666373). To our knowledge, functional studies have not been reported for this variant. This variant has not been reported in individuals affected with PRKAG2-related disorders in the literature. This variant has not been identified in the general population by the Genome Aggregation Database (gnomAD). The available evidence is insufficient to determine the role of this variant in disease conclusively. Therefore, this variant is classified as a Variant of Uncertain Significance.

This study involves interpretation of variants in research participants for the purpose of population health screening. Participant phenotype was not available at the time of variant classification. Additional details can be found in publication PMID: 35346344, PMCID: PMC8962531

NM_016203.4(PRKAG2):c.147C>G (p.Asp49Glu)

Gene: PRKAG2 (protein kinase AMP-activated non-catalytic subunit gamma 2; minus strand). Cytogenetic location: 7q36.1.
Variant type: single nucleotide variant.
Coding change: c.147C>G on transcript NM_016203.4 (MANE Select); coding-DNA position 147, C replaced by G.
Protein change: p.Asp49Glu; replaces aspartic acid 49 with glutamic acid.
Molecular consequence: missense variant. On other transcripts: intron variant (1).
Genome position (GRCh38, 1-based): chr7:151,786,509, G>C on the plus strand (C>G on the coding strand, the complement: PRKAG2 is on the minus strand). VCF-style: chr7-151786509-G-C. GRCh37 (hg19) VCF-style: chr7-151483595-G-C.
Other names: c.15C>G, p.Asp5Glu (NM_001040633.2, NM_001407024.1, NM_001407026.1 and 2 more transcripts); c.147C>G, p.Asp49Glu (NM_001407021.1, NM_001407022.1, NM_001407023.1 and 2 more transcripts); c.148+27907C>G (NM_001407032.1); short protein forms D49E, D5E.
Identifiers: ClinVar variation 3069596 (VCV003069596.1), dbSNP rs761196275, ClinGen allele CA169174477.